The following is an entry in ClinVar:

NM_000088.4(COL1A1):c.110C>G (p.Pro37Arg)

Gene: COL1A1 (collagen type I alpha 1 chain; minus strand). Cytogenetic location: 17q21.33.
Variant type: single nucleotide variant.
Coding change: c.110C>G on transcript NM_000088.4 (MANE Select); coding-DNA position 110, C replaced by G.
Protein change: p.Pro37Arg; replaces proline 37 with arginine.
Molecular consequence: missense variant.
Genome position (GRCh38, 1-based): chr17:50,199,941, G>C on the plus strand (C>G on the coding strand, the complement: COL1A1 is on the minus strand). VCF-style: chr17-50199941-G-C. GRCh37 (hg19) VCF-style: chr17-48277302-G-C.
Other names: c.110C>G (NM_000088.3); short protein forms P37R.
Identifiers: ClinVar variation 1487505 (VCV001487505.9), dbSNP rs2144594835, ClinGen allele CA400228706.
Genomic context (GRCh38, chr17:50,199,941, plus strand): 5'-GGCTCGGGTTTCCACACGTCTCGGTCATGGTACCTGAGGCCGTTCTGTACGCAGGTGATT[G>C]GTGGGACTGGGACAGGCGGAAGAGGGGCGTTGTCAGTAGTGACTGCAACCCCCAGCTTAA-3'
Protein context (NP_000079.2, residues 27-47): QVEGQDEDIP[Pro37Arg]ITCVQNGLRY

ClinVar aggregate classification (germline): Conflicting classifications of pathogenicity. Review status: criteria provided, conflicting classifications (1 of 4 stars). 2 submissions from 2 submitters: Uncertain significance (1); Likely benign (1). Last evaluated 2025-08-19.

Conditions:
Cardiovascular phenotype. Identifiers: MedGen CN230736.
Osteogenesis imperfecta type I (OI1). Also called: Lobstein disease; Lobstein's Disease; OI, TYPE I; OSTEOGENESIS IMPERFECTA TARDA; OSTEOGENESIS IMPERFECTA WITH BLUE SCLERAE; Osteogenesis imperfecta type 1. Identifiers: Orphanet 216796, Orphanet 666, MedGen C0023931, MONDO:0008146, OMIM 166200. Disease mechanism: loss of function.

Submissions (2):

Ambry Genetics
Classification: Likely benign for Cardiovascular phenotype. Last evaluated: 2025-08-19. Review status: criteria provided, single submitter. Criteria: Ambry Variant Classification Scheme 2023. Collection method: clinical testing. Allele origin: germline.

Labcorp Genetics (formerly Invitae), Labcorp
Classification: Uncertain significance for Osteogenesis imperfecta type I. Last evaluated: 2022-11-22. Review status: criteria provided, single submitter. Criteria: Invitae Variant Classification Sherloc (09022015). Collection method: clinical testing. Allele origin: germline.
Comment: In summary, the available evidence is currently insufficient to determine the role of this variant in disease. Therefore, it has been classified as a Variant of Uncertain Significance. Advanced modeling of protein sequence and biophysical properties (such as structural, functional, and spatial information, amino acid conservation, physicochemical variation, residue mobility, and thermodynamic stability) performed at Invitae indicates that this missense variant is not expected to disrupt COL1A1 protein function. ClinVar contains an entry for this variant (Variation ID: 1487505). This variant has not been reported in the literature in individuals affected with COL1A1-related conditions. This sequence change replaces proline, which is neutral and non-polar, with arginine, which is basic and polar, at codon 37 of the COL1A1 protein (p.Pro37Arg). This variant is not present in population databases (gnomAD no frequency).